The following is an entry in ClinVar:

NM_000302.4(PLOD1):c.975+1G>A

Gene: PLOD1 (procollagen-lysine,2-oxoglutarate 5-dioxygenase 1; plus strand). Cytogenetic location: 1p36.22.
Variant type: single nucleotide variant.
Coding change: c.975+1G>A on transcript NM_000302.4 (MANE Select); the canonical splice donor site of the intron after coding-DNA position 975, G replaced by A.
Molecular consequence: splice donor variant.
Genome position (GRCh38, 1-based): chr1:11,958,648, G>A. VCF-style: chr1-11958648-G-A. GRCh37 (hg19) VCF-style: chr1-12018705-G-A.
Other names: c.1116+1G>A (NM_001316320.2).
Identifiers: ClinVar variation 4779170 (VCV004779170.1).

ClinVar aggregate classification (germline): Likely pathogenic (1 of 4 stars; one submission).

Conditions:
Ehlers-Danlos syndrome, kyphoscoliotic type 1 (EDSKSCL1). Also called: EHLERS-DANLOS SYNDROME, OCULAR-SCOLIOTIC TYPE; PLOD1-Related Kyphoscoliotic Ehlers-Danlos Syndrome; EHLERS-DANLOS SYNDROME, TYPE VIA; Ehlers-Danlos syndrome, hydroxylysine-deficient. Identifiers: Orphanet 1900, MedGen C0268342, MONDO:0016002, OMIM 225400. Disease mechanism: loss of function.

gnomAD v4.1: 2 of 1,614,038 alleles (0.00012%); highest among the groups gnomAD compares: Non-Finnish European, 0.00017%; no homozygotes.

Submission:

Labcorp Genetics (formerly Invitae), Labcorp
Classification: Likely pathogenic for Ehlers-Danlos syndrome, kyphoscoliotic type 1. Last evaluated: 2025-05-26. Review status: criteria provided, single submitter. Criteria: Invitae Variant Classification Sherloc (09022015). Collection method: clinical testing. Allele origin: germline.
Comment: This sequence change affects a donor splice site in intron 9 of the PLOD1 gene. It is expected to disrupt RNA splicing. Variants that disrupt the donor or acceptor splice site typically lead to a loss of protein function (PMID: 16199547), and loss-of-function variants in PLOD1 are known to be pathogenic (PMID: 10874315, 21699693). This variant is not present in population databases (gnomAD no frequency). This variant has not been reported in the literature in individuals affected with PLOD1-related conditions. Algorithms developed to predict the effect of sequence changes on RNA splicing suggest that this variant may disrupt the consensus splice site. In summary, the currently available evidence indicates that the variant is pathogenic, but additional data are needed to prove that conclusively. Therefore, this variant has been classified as Likely Pathogenic.

Literature cited by the submitters: PubMed 16199547; PubMed 10874315; PubMed 21699693.